The following is an entry in ClinVar:

NM_004260.4(RECQL4):c.37_38delinsTA (p.Ala13Ter)

Genes: RECQL4 (RecQ like helicase 4; minus strand), LOC130001411 (ATAC-STARR-seq lymphoblastoid silent region 19699; plus strand). Cytogenetic location: 8q24.3.
Variant type: Indel.
Coding change: c.37_38delinsTA on transcript NM_004260.4 (MANE Select); coding-DNA positions 37 to 38, GC replaced by TA.
Protein change: p.Ala13Ter; replaces alanine 13 with a stop codon.
Molecular consequence: nonsense.
Genome position (GRCh38, 1-based): chr8:144,517,747-144,517,748, GC replaced by TA on the plus strand (GC replaced by TA on the coding strand, the reverse complement: RECQL4 is on the minus strand). VCF-style: chr8-144517747-GC-TA. GRCh37 (hg19) VCF-style: chr8-145743131-GC-TA.
Other names: short protein forms A13*.
Identifiers: ClinVar variation 1069588 (VCV001069588.5), dbSNP rs2130746001, ClinGen allele CA2499219204.

ClinVar aggregate classification (germline): Pathogenic (1 of 4 stars; one submission).

Conditions:
Baller-Gerold syndrome (BGS). Also called: CRANIOSYNOSTOSIS WITH RADIAL DEFECTS. Identifiers: Orphanet 1225, MedGen C0265308, MONDO:0009039, OMIM 218600.

Submission:

Labcorp Genetics (formerly Invitae), Labcorp
Classification: Pathogenic for Baller-Gerold syndrome. Last evaluated: 2020-06-10. Review status: criteria provided, single submitter. Criteria: Invitae Variant Classification Sherloc (09022015). Collection method: clinical testing. Allele origin: germline.
Comment: For these reasons, this variant has been classified as Pathogenic. Loss-of-function variants in RECQL4 are known to be pathogenic (PMID: 12734318, 12952869). This variant has not been reported in the literature in individuals with RECQL4-related conditions. The frequency data for this variant in the population databases is considered unreliable, as metrics indicate insufficient coverage at this position in the ExAC database. This sequence change creates a premature translational stop signal (p.Ala13*) in the RECQL4 gene. It is expected to result in an absent or disrupted protein product.

Literature cited by the submitters: PubMed 12734318; PubMed 12952869.